The following is an entry in ClinVar:

ClinVar aggregate classification (germline): Uncertain significance (1 of 4 stars; one submission).

Conditions:
Baller-Gerold syndrome (BGS). Also called: CRANIOSYNOSTOSIS WITH RADIAL DEFECTS. Identifiers: Orphanet 1225, MedGen C0265308, MONDO:0009039, OMIM 218600.

gnomAD v4.1: 4 of 1,612,380 alleles (0.00025%); highest among the groups gnomAD compares: Non-Finnish European, 0.00025%; no homozygotes.

Submission:

Labcorp Genetics (formerly Invitae), Labcorp
Classification: Uncertain significance for Baller-Gerold syndrome. Last evaluated: 2025-09-14. Review status: criteria provided, single submitter. Criteria: Invitae Variant Classification Sherloc (09022015). Collection method: clinical testing. Allele origin: germline.
Comment: This sequence change replaces valine, which is neutral and non-polar, with alanine, which is neutral and non-polar, at codon 1206 of the RECQL4 protein (p.Val1206Ala). This variant is present in population databases (rs778583430, gnomAD 0.002%). This variant has not been reported in the literature in individuals affected with RECQL4-related conditions. An algorithm developed to predict the effect of missense changes on protein structure and function outputs the following: PolyPhen-2: "Not Available". The alanine amino acid residue is found in multiple mammalian species, which suggests that this missense change does not adversely affect protein function. In summary, the available evidence is currently insufficient to determine the role of this variant in disease. Therefore, it has been classified as a Variant of Uncertain Significance.

NM_004260.4(RECQL4):c.3617T>C (p.Val1206Ala)

Gene: RECQL4 (RecQ like helicase 4; minus strand). Cytogenetic location: 8q24.3.
Variant type: single nucleotide variant.
Coding change: c.3617T>C on transcript NM_004260.4 (MANE Select); coding-DNA position 3617, T replaced by C.
Protein change: p.Val1206Ala; replaces valine 1206 with alanine.
Molecular consequence: missense variant. On other transcripts: non-coding transcript variant (3).
Genome position (GRCh38, 1-based): chr8:144,511,441, A>G on the plus strand (T>C on the coding strand, the complement: RECQL4 is on the minus strand). VCF-style: chr8-144511441-A-G. GRCh37 (hg19) VCF-style: chr8-145736824-A-G.
Other names: c.3488T>C, p.Val1163Ala (NM_001413025.1); c.2480T>C, p.Val827Ala (NM_001413027.1, NM_001413030.1, NM_001413032.1); c.2546T>C, p.Val849Ala (NM_001413028.1, NM_001413034.1, NM_001413035.1 and 4 more transcripts); c.3266T>C, p.Val1089Ala (NM_001413029.1); c.2348T>C, p.Val783Ala (NM_001413031.1, NM_001413038.1); c.3485T>C, p.Val1162Ala (NM_001413033.1); c.3323T>C, p.Val1108Ala (NM_001413017.1); c.3419T>C, p.Val1140Ala (NM_001413018.1); and 9 more; short protein forms V1089A, V1108A, V1140A, V1162A, V1163A, V1174A, V1196A, V1206A.
Identifiers: ClinVar variation 4806891 (VCV004806891.1).